The following is an entry in ClinVar:

NM_002075.4(GNB3):c.670G>A (p.Gly224Ser)

Gene: GNB3 (G protein subunit beta 3; plus strand). Cytogenetic location: 12p13.31.
Variant type: single nucleotide variant.
Coding change: c.670G>A on transcript NM_002075.4 (MANE Select); coding-DNA position 670, G replaced by A.
Protein change: p.Gly224Ser; replaces glycine 224 with serine.
Molecular consequence: missense variant.
Genome position (GRCh38, 1-based): chr12:6,843,949, G>A. VCF-style: chr12-6843949-G-A. GRCh37 (hg19) VCF-style: chr12-6953113-G-A.
Other names: c.667G>A, p.Gly223Ser (NM_001297571.2); short protein forms G223S, G224S.
Identifiers: ClinVar variation 2833694 (VCV002833694.3), dbSNP rs2542352453, ClinGen allele CA383673690.

ClinVar aggregate classification (germline): Uncertain significance (1 of 4 stars; one submission).

Allele frequency attached by ClinVar (database versions not stated): gnomAD exomes below 0.00001.
gnomAD v4.1: 2 of 1,613,396 alleles (0.00012%); highest among the groups gnomAD compares: Non-Finnish European, 0.000085%; no homozygotes.

Submission:

Labcorp Genetics (formerly Invitae), Labcorp
Classification: Uncertain significance. Last evaluated: 2023-09-13. Review status: criteria provided, single submitter. Criteria: Invitae Variant Classification Sherloc (09022015). Collection method: clinical testing. Allele origin: germline.
Comment: In summary, the available evidence is currently insufficient to determine the role of this variant in disease. Therefore, it has been classified as a Variant of Uncertain Significance. Advanced modeling of protein sequence and biophysical properties (such as structural, functional, and spatial information, amino acid conservation, physicochemical variation, residue mobility, and thermodynamic stability) performed at Invitae indicates that this missense variant is not expected to disrupt GNB3 protein function. This variant has not been reported in the literature in individuals affected with GNB3-related conditions. This variant is not present in population databases (gnomAD no frequency). This sequence change replaces glycine, which is neutral and non-polar, with serine, which is neutral and polar, at codon 224 of the GNB3 protein (p.Gly224Ser).